The following is an entry in ClinVar:

ClinVar aggregate classification (germline): Uncertain significance (1 of 4 stars; one submission).

Conditions:
Perlman syndrome (PRLMNS). Identifiers: Orphanet 2849, MedGen C0796113, MONDO:0009965, OMIM 267000.

Submission:

Labcorp Genetics (formerly Invitae), Labcorp
Classification: Uncertain significance for Perlman syndrome. Last evaluated: 2023-02-06. Review status: criteria provided, single submitter. Criteria: Invitae Variant Classification Sherloc (09022015). Collection method: clinical testing. Allele origin: germline.
Comment: This sequence change replaces isoleucine, which is neutral and non-polar, with phenylalanine, which is neutral and non-polar, at codon 486 of the DIS3L2 protein (p.Ile486Phe). This variant is not present in population databases (gnomAD no frequency). This variant has not been reported in the literature in individuals affected with DIS3L2-related conditions. Advanced modeling of protein sequence and biophysical properties (such as structural, functional, and spatial information, amino acid conservation, physicochemical variation, residue mobility, and thermodynamic stability) performed at Invitae indicates that this missense variant is expected to disrupt DIS3L2 protein function. In summary, the available evidence is currently insufficient to determine the role of this variant in disease. Therefore, it has been classified as a Variant of Uncertain Significance.

NM_152383.5(DIS3L2):c.1456A>T (p.Ile486Phe)

Gene: DIS3L2 (DIS3 like 3'-5' exoribonuclease 2; plus strand). Cytogenetic location: 2q37.1.
Variant type: single nucleotide variant.
Coding change: c.1456A>T on transcript NM_152383.5 (MANE Select); coding-DNA position 1456, A replaced by T.
Protein change: p.Ile486Phe; replaces isoleucine 486 with phenylalanine.
Molecular consequence: missense variant. On other transcripts: non-coding transcript variant (2).
Genome position (GRCh38, 1-based): chr2:232,263,237, A>T. VCF-style: chr2-232263237-A-T. GRCh37 (hg19) VCF-style: chr2-233127947-A-T.
Other names: c.1456A>T, p.Ile486Phe (NM_001257281.2); short protein forms I486F.
Identifiers: ClinVar variation 2834933 (VCV002834933.3), dbSNP rs1693763138, ClinGen allele CA350975205.